The following is an entry in ClinVar:

NM_000051.4(ATM):c.6348-18C>T

Genes: C11orf65 (chromosome 11 open reading frame 65; minus strand), ATM (ATM serine/threonine kinase; plus strand). Cytogenetic location: 11q22.3.
Variant type: single nucleotide variant.
Coding change: c.6348-18C>T on transcript NM_000051.4 (MANE Select); 18 bases into the intron before coding-DNA position 6348, C replaced by T.
Molecular consequence: intron variant.
Genome position (GRCh38, 1-based): chr11:108,319,936, C>T. VCF-style: chr11-108319936-C-T. GRCh37 (hg19) VCF-style: chr11-108190663-C-T.
Other names: c.6348-18C>T (NM_001351834.2); c.641-10865G>A (NM_001330368.2); c.*39-10865G>A (NM_001351110.2).
Identifiers: ClinVar variation 2743720 (VCV002743720.4), dbSNP rs1175043012, ClinGen allele CA942022790.

ClinVar aggregate classification (germline): Likely benign. Review status: criteria provided, multiple submitters, no conflicts (2 of 4 stars). 2 submissions from 2 submitters: Likely benign (2). Last evaluated 2024-06-05.

Conditions:
Ataxia-telangiectasia syndrome (AT). Also called: LOUIS-BAR SYNDROME; Cerebello-oculocutaneous telangiectasia; Immunodeficiency with ataxia telangiectasia; Ataxia telangiectasia (A-T); Ataxia-telangiectasia, complementation group D; AT, COMPLEMENTATION GROUP C. Identifiers: Orphanet 100, MedGen C0004135, MONDO:0008840, OMIM 208900.
Familial cancer of breast. Also called: BREAST CANCER, FAMILIAL; Hereditary breast cancer; hereditary breast carcinoma. Identifiers: Orphanet 227535, MedGen C0346153, MONDO:0016419, OMIM 114480. Disease mechanism: loss of function.

Submissions (2):

Myriad Genetics, Inc.
Classification: Likely benign for Familial cancer of breast. Last evaluated: 2024-06-05. Review status: criteria provided, single submitter. Criteria: Myriad Autosomal Dominant, Autosomal Recessive and X-Linked Classification Criteria (2023). Collection method: clinical testing. Allele origin: unknown.
Comment: This variant is considered likely benign. This variant is intronic and is not expected to impact mRNA splicing.

Labcorp Genetics (formerly Invitae), Labcorp
Classification: Likely benign for Ataxia-telangiectasia syndrome. Last evaluated: 2023-12-01. Review status: criteria provided, single submitter. Criteria: Invitae Variant Classification Sherloc (09022015). Collection method: clinical testing. Allele origin: germline.